The following is an entry in ClinVar:

ClinVar aggregate classification (germline): Uncertain significance (1 of 4 stars; one submission).

gnomAD v4.1: 13 of 1,573,808 alleles (0.00083%); highest among the groups gnomAD compares: Non-Finnish European, 0.00087%; no homozygotes.

Submission:

Labcorp Genetics (formerly Invitae), Labcorp
Classification: Uncertain significance. Last evaluated: 2025-10-28. Review status: criteria provided, single submitter. Criteria: Invitae Variant Classification Sherloc (09022015). Collection method: clinical testing. Allele origin: germline.
Comment: This sequence change falls in intron 4 of the IFT57 gene. It does not directly change the encoded amino acid sequence of the IFT57 protein. It affects a nucleotide within the consensus splice site. This variant is present in population databases (no rsID available, gnomAD 0.004%). This variant has not been reported in the literature in individuals affected with IFT57-related conditions. Variants that disrupt the consensus splice site are a relatively common cause of aberrant splicing (PMID: 17576681, 9536098). Algorithms developed to predict the effect of sequence changes on RNA splicing suggest that this variant may disrupt the consensus splice site. In summary, the available evidence is currently insufficient to determine the role of this variant in disease. Therefore, it has been classified as a Variant of Uncertain Significance.

Literature cited by the submitters: PubMed 17576681; PubMed 9536098.

NM_018010.4(IFT57):c.585+5G>T

Gene: IFT57 (intraflagellar transport 57; minus strand). Cytogenetic location: 3q13.13.
Variant type: single nucleotide variant.
Coding change: c.585+5G>T on transcript NM_018010.4 (MANE Select); 5 bases into the intron after coding-DNA position 585, G replaced by T.
Molecular consequence: intron variant.
Genome position (GRCh38, 1-based): chr3:108,213,926, C>A on the plus strand (G>T on the coding strand, the complement: IFT57 is on the minus strand). VCF-style: chr3-108213926-C-A. GRCh37 (hg19) VCF-style: chr3-107932773-C-A.
Identifiers: ClinVar variation 4750496 (VCV004750496.1).